The following is an entry in ClinVar:

NM_000169.3(GLA):c.548-10T>A

Genes: GLA (galactosidase alpha; minus strand), RPL36A-HNRNPH2 (RPL36A-HNRNPH2 readthrough; plus strand). Cytogenetic location: Xq22.1.
Variant type: single nucleotide variant.
Coding change: c.548-10T>A on transcript NM_000169.3 (MANE Select); 10 bases into the intron before coding-DNA position 548, T replaced by A.
Molecular consequence: intron variant.
Genome position (GRCh38, 1-based): chrX:101,400,767, A>T on the plus strand (T>A on the coding strand, the complement: GLA is on the minus strand). VCF-style: chrX-101400767-A-T. GRCh37 (hg19) VCF-style: chrX-100655755-A-T.
Other names: c.300+5310A>T (NM_001199973.2); c.177+8945A>T (NM_001199974.2); c.671-10T>A (NM_001406747.1); c.548-10T>A (NM_001406748.1).
Identifiers: ClinVar variation 855343 (VCV000855343.14), dbSNP rs782440801, ClinGen allele CA031332.

ClinVar aggregate classification (germline): Uncertain significance. Review status: criteria provided, multiple submitters, no conflicts (2 of 4 stars). 4 submissions from 4 submitters: Uncertain significance (3). 1 of the submissions does not count toward it. Last evaluated 2026-09-08.

Conditions:
Fabry disease. Also called: GLA DEFICIENCY; HEREDITARY DYSTOPIC LIPIDOSIS; Fabry's disease; Angiokeratoma corporis diffusum; ALPHA-GALACTOSIDASE A DEFICIENCY; ANDERSON-FABRY DISEASE. Identifiers: Orphanet 324, MedGen C0002986, MONDO:0010526, OMIM 301500, HP:0001071. Disease mechanism: loss of function, Fabry disease is due to inactivating mutations in the X-linked GLA gene resulting in deficiency of the enzyme Alpha Galactosidase-A..

Allele frequency attached by ClinVar (database versions not stated): gnomAD exomes below 0.00001 and 0.00001; TOPMed 0.00001; ExAC 0.00003.

Submissions (4):

Genomenon, Inc
Classification: Uncertain significance for Fabry disease. Last evaluated: 2026-09-08. Review status: criteria provided, single submitter. Criteria: Genomenon Sequence Variant Interpretation Standards - Updated. Collection method: curation. Allele origin: germline. Affected: no.
Comment: GLA c.548-10T>A is an intronic variant located in the acceptor splice region of intron 3. This variant has been reported in the published literature (PMID:39336803). It is absent or not present at a significant frequency in gnomAD. In silico models predict that this variant is possibly or probably damaging. In conclusion, we classify GLA c.548-10T>A as a variant of uncertain significance.

Color Diagnostics, LLC DBA Color Health
Classification: Uncertain significance for Fabry disease. Last evaluated: 2025-06-24. Review status: criteria provided, single submitter. Criteria: ACMG Guidelines, 2015. Collection method: clinical testing. Allele origin: germline.
Comment: This variant causes a T to A nucleotide substitution at the -10 position of intron 3 of the GLA gene. To our knowledge, functional studies have not been reported for this variant. This variant has not been reported in individuals affected with GLA-related disorders in the literature. This variant has been identified in 2/178786 chromosomes in the general population by the Genome Aggregation Database (gnomAD). The available evidence is insufficient to determine the role of this variant in disease conclusively. Therefore, this variant is classified as a Variant of Uncertain Significance.

Labcorp Genetics (formerly Invitae), Labcorp
Classification: Uncertain significance for Fabry disease. Last evaluated: 2023-07-27. Review status: criteria provided, single submitter. Criteria: Invitae Variant Classification Sherloc (09022015). Collection method: clinical testing. Allele origin: germline.
Comment: In summary, the available evidence is currently insufficient to determine the role of this variant in disease. Therefore, it has been classified as a Variant of Uncertain Significance. This variant has not been reported in the literature in individuals affected with GLA-related conditions. ClinVar contains an entry for this variant (Variation ID: 855343). Algorithms developed to predict the effect of sequence changes on RNA splicing suggest that this variant may disrupt the consensus splice site. This variant is present in population databases (rs782440801, gnomAD 0.001%). This sequence change falls in intron 3 of the GLA gene. It does not directly change the encoded amino acid sequence of the GLA protein.

Natera, Inc.
Classification: Uncertain significance for Fabry disease. Last evaluated: 2020-09-16. Review status: no assertion criteria provided. Collection method: clinical testing. Allele origin: germline. Not counted in ClinVar's aggregate classification.

Literature cited by the submitters: PubMed 39336803 (cited by Genomenon, Inc).